The following is an entry in ClinVar:

NM_006648.4(WNK2):c.4694T>C (p.Val1565Ala)

Gene: WNK2 (WNK lysine deficient protein kinase 2; plus strand). Cytogenetic location: 9q22.31.
Variant type: single nucleotide variant.
Coding change: c.4694T>C on transcript NM_006648.4 (MANE Select); coding-DNA position 4694, T replaced by C.
Protein change: p.Val1565Ala; replaces valine 1565 with alanine.
Molecular consequence: missense variant.
Genome position (GRCh38, 1-based): chr9:93,289,448, T>C. VCF-style: chr9-93289448-T-C. GRCh37 (hg19) VCF-style: chr9-96051730-T-C.
Other names: c.4805T>C, p.Val1602Ala (NM_001282394.3); short protein forms V1602A, V1565A.
Identifiers: ClinVar variation 4201915 (VCV004201915.1).

ClinVar aggregate classification (germline): Uncertain significance (1 of 4 stars; one submission).

gnomAD v4.1: 2 of 1,612,718 alleles (0.00012%); highest among the groups gnomAD compares: African/African-American, 0.0027%; no homozygotes.

Submission:

Ambry Genetics
Classification: Uncertain significance. Last evaluated: 2025-09-14. Review status: criteria provided, single submitter. Criteria: Ambry Variant Classification Scheme 2023. Collection method: clinical testing. Allele origin: germline.
Comment: The p.V1565A variant (also known as c.4694T>C), located in coding exon 19 of the WNK2 gene, results from a T to C substitution at nucleotide position 4694. The valine at codon 1565 is replaced by alanine, an amino acid with similar properties. This amino acid position is conserved. In addition, this alteration is predicted to be tolerated by in silico analysis. Based on the available evidence, the clinical significance of this variant remains unclear.